The following is an entry in ClinVar:

NM_177924.5(ASAH1):c.*932C>T

Gene: ASAH1 (N-acylsphingosine amidohydrolase 1; minus strand). Cytogenetic location: 8p22.
Variant type: single nucleotide variant.
Coding change: c.*932C>T on transcript NM_177924.5 (MANE Select); 932 bases downstream of the stop codon, C replaced by T.
Molecular consequence: 3 prime UTR variant.
Genome position (GRCh38, 1-based): chr8:18,056,602, G>A on the plus strand (C>T on the coding strand, the complement: ASAH1 is on the minus strand). VCF-style: chr8-18056602-G-A. GRCh37 (hg19) VCF-style: chr8-17914111-G-A.
Other names: c.*932C>T (NM_001127505.3, NM_001363743.2, NM_004315.6).
Identifiers: ClinVar variation 362353 (VCV000362353.6), dbSNP rs7002731, ClinGen allele CA10627367.
Genomic context (GRCh38, chr8:18,056,602, plus strand): 5'-ATTTCACAGTTAATCGTGAAGGTTAGAAAGGTTAACAAGTTCTATTAGTACTTTTCATAA[G>A]CAGTTTGATTTCTGAAAAATACAGTAACATAATTTTAGTAACTACTAAAATTTCTTTAAA-3'

ClinVar aggregate classification (germline): Benign. Review status: criteria provided, multiple submitters, no conflicts (2 of 4 stars). 2 submissions from 2 submitters: Benign (2). Last evaluated 2018-01-13.

Conditions:
Farber lipogranulomatosis (FRBRL). Also called: Farber's lipogranulomatosis; Farber's disease; Farber disease; AC DEFICIENCY; ACID CERAMIDASE DEFICIENCY; CERAMIDASE DEFICIENCY. Identifiers: Orphanet 333, MedGen C0268255, MONDO:0009218, OMIM 228000.

Allele frequency attached by ClinVar (database versions not stated): gnomAD 0.03821 and 0.04112; 1000 Genomes Project 0.04014; 1000 Genomes Project 30x 0.04091; TOPMed 0.04182.

Submissions (2):

Illumina Laboratory Services, Illumina
Classification: Benign for Farber lipogranulomatosis. Last evaluated: 2018-01-13. Review status: criteria provided, single submitter. Criteria: ICSL Variant Classification Criteria 13 December 2019. Collection method: clinical testing. Allele origin: germline.
Comment: This variant was observed in the ICSL laboratory as part of a predisposition screen in an ostensibly healthy population. It had not been previously curated by ICSL or reported in the Human Gene Mutation Database (HGMD: prior to June 1st, 2018), and was therefore a candidate for classification through an automated scoring system. Utilizing variant allele frequency, disease prevalence and penetrance estimates, and inheritance mode, an automated score was calculated to assess if this variant is too frequent to cause the disease. Based on the score and internal cut-off values, a variant classified as benign is not then subjected to further curation. The score for this variant resulted in a classification of benign for this disease.

Breakthrough Genomics
Classification: Benign. Review status: criteria provided, single submitter. Criteria: ACMG Guidelines, 2015. Collection method: not provided. Allele origin: germline. Inheritance: Autosomal recessive inheritance. Affected: yes.